The following is an entry in ClinVar:

NM_003072.5(SMARCA4):c.925G>T (p.Gly309Cys)

Gene: SMARCA4 (SWI/SNF related BAF chromatin remodeling complex subunit ATPase 4; plus strand). Cytogenetic location: 19p13.2.
Variant type: single nucleotide variant.
Coding change: c.925G>T on transcript NM_003072.5 (MANE Select); coding-DNA position 925, G replaced by T.
Protein change: p.Gly309Cys; replaces glycine 309 with cysteine.
Molecular consequence: missense variant. On other transcripts: non-coding transcript variant (1).
Genome position (GRCh38, 1-based): chr19:10,987,731, G>T. VCF-style: chr19-10987731-G-T. GRCh37 (hg19) VCF-style: chr19-11098407-G-T.
Other names: c.925G>T, p.Gly309Cys (NM_001128844.3, NM_001128845.2, NM_001128846.2 and 6 more transcripts); short protein forms G309C.
Identifiers: ClinVar variation 3636840 (VCV003636840.2).
Genomic context (GRCh38, chr19:10,987,731, plus strand): 5'-ATGGCGAATGCTGCTGCCCCCACGAGCACCCCTCAGAAGCTGATTCCCCCGCAGCCAACG[G>T]GCCGCCCTTCCCCCGCGCCCCCTGCCGTCCCACCCGCCGCCTCGCCCGTGATGCCACCGC-3'
Protein context (NP_003063.2, residues 299-319): PQKLIPPQPT[Gly309Cys]RPSPAPPAVP

ClinVar aggregate classification (germline): Uncertain significance (1 of 4 stars; one submission).

Conditions:
Rhabdoid tumor predisposition syndrome 2 (RTPS2). Identifiers: Orphanet 231108, Orphanet 69077, MedGen C2750074, MONDO:0013224, OMIM 613325.

Submission:

Labcorp Genetics (formerly Invitae), Labcorp
Classification: Uncertain significance for Rhabdoid tumor predisposition syndrome 2. Last evaluated: 2024-02-18. Review status: criteria provided, single submitter. Criteria: Invitae Variant Classification Sherloc (09022015). Collection method: clinical testing. Allele origin: germline.
Comment: This sequence change replaces glycine, which is neutral and non-polar, with cysteine, which is neutral and slightly polar, at codon 309 of the SMARCA4 protein (p.Gly309Cys). This variant is not present in population databases (gnomAD no frequency). This variant has not been reported in the literature in individuals affected with SMARCA4-related conditions. Advanced modeling of protein sequence and biophysical properties (such as structural, functional, and spatial information, amino acid conservation, physicochemical variation, residue mobility, and thermodynamic stability) has been performed at Invitae for this missense variant, however the output from this modeling did not meet the statistical confidence thresholds required to predict the impact of this variant on SMARCA4 protein function. In summary, the available evidence is currently insufficient to determine the role of this variant in disease. Therefore, it has been classified as a Variant of Uncertain Significance.